The following is an entry in ClinVar:

NM_001267550.2(TTN):c.105616A>G (p.Ser35206Gly)

Genes: TTN (titin; minus strand), TTN-AS1 (TTN antisense RNA 1; plus strand), LOC129935183 (ATAC-STARR-seq lymphoblastoid active region 16808; plus strand). Cytogenetic location: 2q31.2.
Variant type: single nucleotide variant.
Coding change: c.105616A>G on transcript NM_001267550.2 (MANE Select); coding-DNA position 105616, A replaced by G.
Protein change: p.Ser35206Gly; replaces serine 35206 with glycine.
Molecular consequence: missense variant.
Genome position (GRCh38, 1-based): chr2:178,530,999, T>C on the plus strand (A>G on the coding strand, the complement: TTN is on the minus strand). VCF-style: chr2-178530999-T-C. GRCh37 (hg19) VCF-style: chr2-179395726-T-C.
Other names: c.100693A>G, p.Ser33565Gly (NM_001256850.1); c.78421A>G, p.Ser26141Gly (NM_003319.4); c.97912A>G, p.Ser32638Gly (NM_133378.4); c.78796A>G, p.Ser26266Gly (NM_133432.3); c.78997A>G, p.Ser26333Gly (NM_133437.4); short protein forms S33565G, S35206G, S26141G, S26333G, S32638G, S26266G.
Identifiers: ClinVar variation 1479771 (VCV001479771.6), dbSNP rs2154133150, ClinGen allele CA349408343.

ClinVar aggregate classification (germline): Uncertain significance (1 of 4 stars; one submission).

Conditions:
Dilated cardiomyopathy 1G (CMD1G). Identifiers: Orphanet 154, MedGen C1858763, MONDO:0011400, OMIM 604145.
Autosomal recessive limb-girdle muscular dystrophy type 2J (LGMDR10). Also called: Limb-girdle muscular dystrophy, type 2J; MUSCULAR DYSTROPHY, LIMB-GIRDLE, AUTOSOMAL RECESSIVE 10. Identifiers: Orphanet 140922, MedGen C1837342, MONDO:0012127, OMIM 608807.

Submission:

Labcorp Genetics (formerly Invitae), Labcorp
Classification: Uncertain significance for Dilated cardiomyopathy 1G; Autosomal recessive limb-girdle muscular dystrophy type 2J. Last evaluated: 2021-09-14. Review status: criteria provided, single submitter. Criteria: Invitae Variant Classification Sherloc (09022015). Collection method: clinical testing. Allele origin: germline.
Comment: Experimental studies and prediction algorithms are not available or were not evaluated, and the functional significance of this variant is currently unknown. This sequence change replaces serine with glycine at codon 35206 of the TTN protein (p.Ser35206Gly). There is a small physicochemical difference between serine and glycine. This variant is not present in population databases (ExAC no frequency). This variant has not been reported in the literature in individuals affected with TTN-related conditions. In summary, the available evidence is currently insufficient to determine the role of this variant in disease. Therefore, it has been classified as a Variant of Uncertain Significance. This variant is located in the M band of TTN (PMID: 25589632). Variants in this region may be relevant for neuromuscular disorders, but have not been definitively shown to cause cardiomyopathy (PMID: 23975875).

Literature cited by the submitters: PubMed 25589632; PubMed 23975875.